The following is an entry in ClinVar:

NM_015047.3(EMC1):c.1249G>A (p.Val417Met)

Genes: EMC1 (ER membrane protein complex subunit 1; minus strand), EMC1-AS1 (EMC1 antisense RNA 1; plus strand). Cytogenetic location: 1p36.13.
Variant type: single nucleotide variant.
Coding change: c.1249G>A on transcript NM_015047.3 (MANE Select); coding-DNA position 1249, G replaced by A.
Protein change: p.Val417Met; replaces valine 417 with methionine.
Molecular consequence: missense variant.
Genome position (GRCh38, 1-based): chr1:19,237,202, C>T on the plus strand (G>A on the coding strand, the complement: EMC1 is on the minus strand). VCF-style: chr1-19237202-C-T. GRCh37 (hg19) VCF-style: chr1-19563696-C-T.
Other names: c.1249G>A (NM_015047.1); c.1246G>A, p.Val416Met (NM_001271427.2, NM_001375821.1); c.1249G>A, p.Val417Met (NM_001271428.2, NM_001375820.1); c.1183G>A, p.Val395Met (NM_001271429.2); short protein forms V395M, V416M, V417M.
Identifiers: ClinVar variation 1002816 (VCV001002816.9), dbSNP rs149732850, ClinGen allele CA18820594.

ClinVar aggregate classification (germline): Uncertain significance. Review status: criteria provided, multiple submitters, no conflicts (2 of 4 stars). 2 submissions from 2 submitters: Uncertain significance (2). Last evaluated 2025-11-19.

Conditions:
Inborn genetic diseases. Identifiers: MedGen C0950123, MeSH D030342.

Allele frequency attached by ClinVar (database versions not stated): gnomAD exomes below 0.00001; TOPMed 0.00001; ESP Exome Variant Server 0.00008.
gnomAD v4.1: 2 of 1,614,100 alleles (0.00012%); highest among the groups gnomAD compares: Non-Finnish European, 0.00017%; no homozygotes.

Submissions (2):

Labcorp Genetics (formerly Invitae), Labcorp
Classification: Uncertain significance. Last evaluated: 2025-11-19. Review status: criteria provided, single submitter. Criteria: Invitae Variant Classification Sherloc (09022015). Collection method: clinical testing. Allele origin: germline.
Comment: This sequence change replaces valine, which is neutral and non-polar, with methionine, which is neutral and non-polar, at codon 417 of the EMC1 protein (p.Val417Met). This variant is not present in population databases (gnomAD no frequency). This variant has not been reported in the literature in individuals affected with EMC1-related conditions. ClinVar contains an entry for this variant (Variation ID: 1002816). Invitae Evidence Modeling of protein sequence and biophysical properties (such as structural, functional, and spatial information, amino acid conservation, physicochemical variation, residue mobility, and thermodynamic stability) has been performed for this missense variant. However, the output from this modeling did not meet the statistical confidence thresholds required to predict the impact of this variant on EMC1 protein function. In summary, the available evidence is currently insufficient to determine the role of this variant in disease. Therefore, it has been classified as a Variant of Uncertain Significance.

Ambry Genetics
Classification: Uncertain significance for Inborn genetic diseases. Last evaluated: 2024-11-13. Review status: criteria provided, single submitter. Criteria: Ambry Variant Classification Scheme 2023. Collection method: clinical testing. Allele origin: germline.